The following is an entry in ClinVar:

ClinVar aggregate classification (germline): Conflicting classifications of pathogenicity. Review status: criteria provided, conflicting classifications (1 of 4 stars). 2 submissions from 2 submitters: Uncertain significance (1); Benign (1). Last evaluated 2024-09-12.

Conditions:
Kabuki syndrome. Also called: Kabuki make-up syndrome; NIIKAWA-KUROKI SYNDROME. Identifiers: Orphanet 2322, MedGen C0796004, MONDO:0016512.

Allele frequency attached by ClinVar (database versions not stated): gnomAD 0.00001; TOPMed 0.00001.
gnomAD v4.1: 4 of 1,613,844 alleles (0.00025%); highest among the groups gnomAD compares: African/African-American, 0.0027%; no homozygotes.

Submissions (2):

Labcorp Genetics (formerly Invitae), Labcorp
Classification: Benign for Kabuki syndrome. Last evaluated: 2024-09-12. Review status: criteria provided, single submitter. Criteria: Invitae Variant Classification Sherloc (09022015). Collection method: clinical testing. Allele origin: germline.

GeneDx
Classification: Uncertain significance. Last evaluated: 2019-11-21. Review status: criteria provided, single submitter. Criteria: GeneDx Variant Classification Process June 2021. Collection method: clinical testing. Allele origin: germline. Affected: yes.
Comment: In silico analysis, which includes protein predictors and evolutionary conservation, supports that this variant does not alter protein structure/function; Has not been previously published as pathogenic or benign to our knowledge

NM_003482.4(KMT2D):c.3752C>T (p.Ala1251Val)

Genes: KMT2D (lysine methyltransferase 2D; minus strand), LOC126861520 (CDK7 strongly-dependent group 2 enhancer GRCh37_chr12:49442744-49443943; plus strand). Cytogenetic location: 12q13.12.
Variant type: single nucleotide variant.
Coding change: c.3752C>T on transcript NM_003482.4 (MANE Select); coding-DNA position 3752, C replaced by T.
Protein change: p.Ala1251Val; replaces alanine 1251 with valine.
Molecular consequence: missense variant.
Genome position (GRCh38, 1-based): chr12:49,049,836, G>A on the plus strand (C>T on the coding strand, the complement: KMT2D is on the minus strand). VCF-style: chr12-49049836-G-A. GRCh37 (hg19) VCF-style: chr12-49443619-G-A.
Other names: short protein forms A1251V.
Identifiers: ClinVar variation 1310523 (VCV001310523.4), dbSNP rs1361062364, ClinGen allele CA384653701.